The following is an entry in ClinVar:

ClinVar aggregate classification (germline): Conflicting classifications of pathogenicity. Review status: criteria provided, conflicting classifications (1 of 4 stars). 5 submissions from 5 submitters: Uncertain significance (1); Likely benign (3). 1 of the submissions does not count toward it. Last evaluated 2026-01-17.

Conditions:
SH3KBP1-related disorder. Also called: SH3KBP1-related condition.

Allele frequency attached by ClinVar (database versions not stated): ESP Exome Variant Server 0.00047; 1000 Genomes Project 0.00053; gnomAD 0.00055 and 0.00058; gnomAD exomes 0.00060 and 0.00075; TOPMed 0.00061; 1000 Genomes Project 30x 0.00062.
gnomAD v4.1: 864 of 1,178,834 alleles (0.073%); highest among the groups gnomAD compares: Admixed American, 0.087%; 1 homozygote.

Submissions (5):

Dasa
Classification: Likely benign. Last evaluated: 2026-01-17. Review status: criteria provided, single submitter. Criteria: DASA Assertion Criteria. Collection method: clinical testing. Allele origin: germline.
Comment: NM_031892.3(SH3KBP1):c.1183G>A (p.Val395Ile) is a missense variant that results in the substitution of valine with isoleucine. Observations in unaffected individuals support a benign interpretation. Computational prediction algorithms are consistent with a benign effect. Therefore, based on the currently available evidence, this variant is classified as likely benign.

Labcorp Genetics (formerly Invitae), Labcorp
Classification: Likely benign. Last evaluated: 2026-01-09. Review status: criteria provided, single submitter. Criteria: Invitae Variant Classification Sherloc (09022015). Collection method: clinical testing. Allele origin: germline.

Blueprint Genetics
Classification: Likely benign. Last evaluated: 2024-11-06. Review status: criteria provided, single submitter. Criteria: ACMG Guidelines, 2015. Collection method: clinical testing. Allele origin: germline.

Ambry Genetics
Classification: Uncertain significance. Last evaluated: 2021-07-27. Review status: criteria provided, single submitter. Criteria: Ambry Variant Classification Scheme 2023. Collection method: clinical testing. Allele origin: germline.

PreventionGenetics, part of Exact Sciences
Classification: Likely benign for SH3KBP1-related condition. Last evaluated: 2023-05-31. Review status: no assertion criteria provided. Collection method: clinical testing. Allele origin: germline. Not counted in ClinVar's aggregate classification.
Comment: This variant is classified as likely benign based on ACMG/AMP sequence variant interpretation guidelines (Richards et al. 2015 PMID: 25741868, with internal and published modifications).

NM_031892.3(SH3KBP1):c.1183G>A (p.Val395Ile)

Gene: SH3KBP1 (SH3 domain containing kinase binding protein 1; minus strand). Cytogenetic location: Xp22.12.
Variant type: single nucleotide variant.
Coding change: c.1183G>A on transcript NM_031892.3 (MANE Select); coding-DNA position 1183, G replaced by A.
Protein change: p.Val395Ile; replaces valine 395 with isoleucine.
Molecular consequence: missense variant.
Genome position (GRCh38, 1-based): chrX:19,588,758, C>T on the plus strand (G>A on the coding strand, the complement: SH3KBP1 is on the minus strand). VCF-style: chrX-19588758-C-T. GRCh37 (hg19) VCF-style: chrX-19606876-C-T.
Other names: c.1072G>A, p.Val358Ile (NM_001024666.3); c.469G>A, p.Val157Ile (NM_001184960.2, NM_001353897.2); c.1183G>A, p.Val395Ile (NM_001353890.2); c.1258G>A, p.Val420Ile (NM_001353891.2, NM_001353892.2); c.1081G>A, p.Val361Ile (NM_001353893.2, NM_001353894.2); c.1138G>A, p.Val380Ile (NM_001353895.2); c.1183G>A (NM_031892.2); c.1258G>A (NM_001353891.1); short protein forms V157I, V358I, V361I, V380I, V395I, V420I.
Identifiers: ClinVar variation 1554992 (VCV001554992.14), dbSNP rs149782443, ClinGen allele CA10364625.
Genomic context (GRCh38, chrX:19,588,758, plus strand): 5'-CAGGTCTGCTGAGAGAATTGGTCTTAGGTGGCCGAGGCTTTTTTGGCGGTATGGCAGGAA[C>T]GGAGGGCTTCTGTAAATCCAGTTTTGGCTCTCTCTCTGGTCTTTCTTTAAATCATTGTTT-3'
Protein context (NP_114098.1, residues 385-405): EPKLDLQKPS[Val395Ile]PAIPPKKPRP